The following is an entry in ClinVar:

NM_015107.3(PHF8):c.1807_1808delinsAA (p.Ala603Lys)

Gene: PHF8 (PHD finger protein 8; minus strand). Cytogenetic location: Xp11.22.
Variant type: Indel.
Coding change: c.1807_1808delinsAA on transcript NM_015107.3 (MANE Select); coding-DNA positions 1807 to 1808, GC replaced by AA.
Protein change: p.Ala603Lys; replaces alanine 603 with lysine.
Molecular consequence: missense variant.
Genome position (GRCh38, 1-based): chrX:53,987,867-53,987,868, GC replaced by TT on the plus strand (GC replaced by AA on the coding strand, the reverse complement: PHF8 is on the minus strand). VCF-style: chrX-53987867-GC-TT. GRCh37 (hg19) VCF-style: chrX-54014300-GC-TT.
Other names: c.1915_1916delinsAA, p.Ala639Lys (NM_001184896.1, NM_001441097.1); c.1504_1505delinsAA, p.Ala502Lys (NM_001184897.2); c.1807_1808delinsAA, p.Ala603Lys (NM_001184898.2); c.1612_1613delinsAA, p.Ala538Lys (NM_001441096.1, NM_001441098.1); short protein forms A603K, A502K, A639K, A538K.
Identifiers: ClinVar variation 5008080 (VCV005008080.1).
Genomic context (GRCh38, chrX:53,987,867, plus strand): 5'-TCGTCAATCTGCAGCTCATCATCTGAATCCAAGTCAAATTCGTCTTCCATCACCTGTTCT[GC>TT]CATCAGCCTAGCCTTGTCTACCTTCTTTGCTATCTTGGTTCGCCGAGATTTGGATAAACT-3'
Protein context (NP_055922.1, residues 593-613): AKKVDKARLM[Ala603Lys]EQVMEDEFDL

ClinVar aggregate classification (germline): Uncertain significance (1 of 4 stars; one submission).

Submission:

GeneDx
Classification: Uncertain significance. Last evaluated: 2026-02-26. Review status: criteria provided, single submitter. Criteria: GeneDx Variant Classification Process June 2021. Collection method: clinical testing. Allele origin: germline.
Comment: Not observed at significant frequency in large population cohorts (gnomAD); In silico analysis suggests that this variant does not alter protein structure/function; Has not been previously published as pathogenic or benign to our knowledge